The following is an entry in ClinVar:

ClinVar aggregate classification (germline): Uncertain significance (1 of 4 stars; one submission).

Conditions:
CFI-related disorder. Also called: CFI-related disorders; CFI-related condition. Identifiers: MedGen CN239325.

Submission:

PreventionGenetics, part of Exact Sciences
Classification: Uncertain significance for CFI-related condition. Last evaluated: 2023-05-01. Review status: criteria provided, single submitter. Criteria: ACMG Guidelines, 2015. Collection method: clinical testing. Allele origin: germline.
Comment: The CFI c.1146C>T variant is not predicted to result in an amino acid change (p.=). This variant is predicted to have a slight impact on splicing based on available splicing prediction programs (Alamut Visual Plus v1.6.1), however, such computer prediction programs are imperfect. To our knowledge, this variant has not been reported in the literature or in a large population database, indicating this variant is rare. Although we suspect that this variant may be benign, at this time, the clinical significance of this variant is uncertain due to the absence of conclusive functional and genetic evidence.

NM_000204.5(CFI):c.1146C>T (p.Leu382=)

Gene: CFI (complement factor I; minus strand). Cytogenetic location: 4q25.
Variant type: single nucleotide variant.
Coding change: c.1146C>T on transcript NM_000204.5 (MANE Select); coding-DNA position 1146, C replaced by T.
Protein change: p.Leu382=; no amino-acid change (leucine 382 retained).
Molecular consequence: synonymous variant. On other transcripts: non-coding transcript variant (3).
Genome position (GRCh38, 1-based): chr4:109,749,220, G>A on the plus strand (C>T on the coding strand, the complement: CFI is on the minus strand). VCF-style: chr4-109749220-G-A. GRCh37 (hg19) VCF-style: chr4-110670376-G-A.
Other names: c.1170C>T, p.Leu390= (NM_001318057.2, NM_001375278.1); c.1125C>T, p.Leu375= (NM_001331035.2, NM_001375280.1, NM_001375282.1); c.1146C>T, p.Leu382= (NM_001375279.1, NM_001375281.1); c.1089C>T, p.Leu363= (NM_001375283.1); c.537C>T, p.Leu179= (NM_001375284.1).
Identifiers: ClinVar variation 2632910 (VCV002632910.1), dbSNP rs2545385983, ClinGen allele CA440584371.